The following is an entry in ClinVar:

ClinVar aggregate classification (germline): Uncertain significance (1 of 4 stars; one submission).

Conditions:
Norman-Roberts syndrome (LIS2). Also called: Lissencephaly 2 (Norman-Roberts type). Identifiers: Orphanet 89844, MedGen C0796089, MONDO:0009760, OMIM 257320.
Familial temporal lobe epilepsy 7. Identifiers: Orphanet 101046, MedGen C4225327, MONDO:0014639, OMIM 616436.

Submission:

Labcorp Genetics (formerly Invitae), Labcorp
Classification: Uncertain significance for Familial temporal lobe epilepsy 7; Norman-Roberts syndrome. Last evaluated: 2022-09-20. Review status: criteria provided, single submitter. Criteria: Invitae Variant Classification Sherloc (09022015). Collection method: clinical testing. Allele origin: germline.
Comment: In summary, the available evidence is currently insufficient to determine the role of this variant in disease. Therefore, it has been classified as a Variant of Uncertain Significance. Advanced modeling of protein sequence and biophysical properties (such as structural, functional, and spatial information, amino acid conservation, physicochemical variation, residue mobility, and thermodynamic stability) performed at Invitae indicates that this missense variant is not expected to disrupt RELN protein function. This variant has not been reported in the literature in individuals affected with RELN-related conditions. This variant is not present in population databases (gnomAD no frequency). This sequence change replaces serine, which is neutral and polar, with phenylalanine, which is neutral and non-polar, at codon 2805 of the RELN protein (p.Ser2805Phe).

NM_005045.4(RELN):c.8414C>T (p.Ser2805Phe)

Genes: SLC26A5-AS1 (SLC26A5 antisense RNA 1; plus strand), RELN (reelin; minus strand). Cytogenetic location: 7q22.1.
Variant type: single nucleotide variant.
Coding change: c.8414C>T on transcript NM_005045.4 (MANE Select); coding-DNA position 8414, C replaced by T.
Protein change: p.Ser2805Phe; replaces serine 2805 with phenylalanine.
Molecular consequence: missense variant.
Genome position (GRCh38, 1-based): chr7:103,503,091, G>A on the plus strand (C>T on the coding strand, the complement: RELN is on the minus strand). VCF-style: chr7-103503091-G-A. GRCh37 (hg19) VCF-style: chr7-103143538-G-A.
Other names: c.8414C>T, p.Ser2805Phe (NM_173054.3); short protein forms S2805F.
Identifiers: ClinVar variation 1719883 (VCV001719883.5), dbSNP rs2484714951, ClinGen allele CA368757016.